The following is an entry in ClinVar:

ClinVar aggregate classification (germline): Uncertain significance. Review status: criteria provided, multiple submitters, no conflicts (2 of 4 stars). 3 submissions from 3 submitters: Uncertain significance (3). Last evaluated 2025-12-22.

Conditions:
Fanconi anemia complementation group U. Identifiers: MedGen C4310651, MONDO:0014987, OMIM 617247.
Hereditary cancer-predisposing syndrome. Also called: Neoplastic Syndromes, Hereditary; Hereditary Cancer Syndrome; Tumor predisposition; Hereditary neoplastic syndrome. Identifiers: Orphanet 140162, MedGen C0027672, MeSH D009386, MONDO:0015356.

Allele frequency attached by ClinVar (database versions not stated): gnomAD exomes 0.00001 and 0.00002; ExAC 0.00003; gnomAD 0.00010; TOPMed 0.00010; ESP Exome Variant Server 0.00015.
gnomAD v4.1: 30 of 1,613,710 alleles (0.0019%); highest among the groups gnomAD compares: African/African-American, 0.033%; no homozygotes.

Submissions (3):

Labcorp Genetics (formerly Invitae), Labcorp
Classification: Uncertain significance. Last evaluated: 2025-12-22. Review status: criteria provided, single submitter. Criteria: Invitae Variant Classification Sherloc (09022015). Collection method: clinical testing. Allele origin: germline.
Comment: This sequence change replaces glutamic acid, which is acidic and polar, with glutamine, which is neutral and polar, at codon 77 of the XRCC2 protein (p.Glu77Gln). This variant is present in population databases (rs142527605, gnomAD 0.04%). This variant has not been reported in the literature in individuals affected with XRCC2-related conditions. ClinVar contains an entry for this variant (Variation ID: 584727). Invitae Evidence Modeling of protein sequence and biophysical properties (such as structural, functional, and spatial information, amino acid conservation, physicochemical variation, residue mobility, and thermodynamic stability) indicates that this missense variant is not expected to disrupt XRCC2 protein function with a negative predictive value of 80%. In summary, the available evidence is currently insufficient to determine the role of this variant in disease. Therefore, it has been classified as a Variant of Uncertain Significance.

Ambry Genetics
Classification: Uncertain significance for Hereditary cancer-predisposing syndrome. Last evaluated: 2024-11-23. Review status: criteria provided, single submitter. Criteria: Ambry Variant Classification Scheme 2023. Collection method: clinical testing. Allele origin: germline.
Comment: The p.E77Q variant (also known as c.229G>C), located in coding exon 3 of the XRCC2 gene, results from a G to C substitution at nucleotide position 229. The glutamic acid at codon 77 is replaced by glutamine, an amino acid with highly similar properties. This amino acid position is well conserved in available vertebrate species. In addition, this alteration is predicted to be tolerated by in silico analysis. Since supporting evidence is limited at this time, the clinical significance of this alteration remains unclear.

Mendelics
Classification: Uncertain significance for Fanconi anemia complementation group U. Last evaluated: 2019-05-28. Review status: criteria provided, single submitter. Criteria: Mendelics Assertion Criteria 2017. Collection method: clinical testing. Allele origin: unknown.

NM_005431.2(XRCC2):c.229G>C (p.Glu77Gln)

Gene: XRCC2 (X-ray repair cross complementing 2; minus strand). Cytogenetic location: 7q36.1.
Variant type: single nucleotide variant.
Coding change: c.229G>C on transcript NM_005431.2 (MANE Select); coding-DNA position 229, G replaced by C.
Protein change: p.Glu77Gln; replaces glutamic acid 77 with glutamine.
Molecular consequence: missense variant.
Genome position (GRCh38, 1-based): chr7:152,649,256, C>G on the plus strand (G>C on the coding strand, the complement: XRCC2 is on the minus strand). VCF-style: chr7-152649256-C-G. GRCh37 (hg19) VCF-style: chr7-152346341-C-G.
Other names: short protein forms E77Q.
Identifiers: ClinVar variation 584727 (VCV000584727.20), dbSNP rs142527605, ClinGen allele CA4582370.
Genomic context (GRCh38, chr7:152,649,256, plus strand): 5'-CAAGAATTGTAACTAGCCGGAGCATATCAAAGTGGTAATCTGTATCAATAAATAAGACTT[C>G]TACTTCCAGGCCACCTTCTGATTTGGGAAGTATACATCGTGCTGTTAGGTGATAAAGCAT-3'
Protein context (NP_005422.1, residues 67-87): LPKSEGGLEV[Glu77Gln]VLFIDTDYHF